The following is an entry in ClinVar:

NM_012213.3(MLYCD):c.213C>G (p.Phe71Leu)

Gene: MLYCD (malonyl-CoA decarboxylase; plus strand). Cytogenetic location: 16q23.3.
Variant type: single nucleotide variant.
Coding change: c.213C>G on transcript NM_012213.3 (MANE Select); coding-DNA position 213, C replaced by G.
Protein change: p.Phe71Leu; replaces phenylalanine 71 with leucine.
Molecular consequence: missense variant.
Genome position (GRCh38, 1-based): chr16:83,899,357, C>G. VCF-style: chr16-83899357-C-G. GRCh37 (hg19) VCF-style: chr16-83932962-C-G.
Other names: short protein forms F71L.
Identifiers: ClinVar variation 1473223 (VCV001473223.4), dbSNP rs780815688, ClinGen allele CA8197182.

ClinVar aggregate classification (germline): Uncertain significance (1 of 4 stars; one submission).

Conditions:
Deficiency of malonyl-CoA decarboxylase. Also called: Malonic aciduria; MCD deficiency. Identifiers: Orphanet 943, MedGen C0342793, MONDO:0009556, OMIM 248360.

Allele frequency attached by ClinVar (database versions not stated): ExAC 0.00007.

Submission:

Labcorp Genetics (formerly Invitae), Labcorp
Classification: Uncertain significance for Deficiency of malonyl-CoA decarboxylase. Last evaluated: 2022-07-04. Review status: criteria provided, single submitter. Criteria: Invitae Variant Classification Sherloc (09022015). Collection method: clinical testing. Allele origin: germline.
Comment: In summary, the available evidence is currently insufficient to determine the role of this variant in disease. Therefore, it has been classified as a Variant of Uncertain Significance. Algorithms developed to predict the effect of sequence changes on RNA splicing suggest that this variant may create or strengthen a splice site. Advanced modeling of protein sequence and biophysical properties (such as structural, functional, and spatial information, amino acid conservation, physicochemical variation, residue mobility, and thermodynamic stability) performed at Invitae indicates that this missense variant is expected to disrupt MLYCD protein function. ClinVar contains an entry for this variant (Variation ID: 1473223). This variant has not been reported in the literature in individuals affected with MLYCD-related conditions. This variant is present in population databases (rs780815688, gnomAD 0.03%). This sequence change replaces phenylalanine, which is neutral and non-polar, with leucine, which is neutral and non-polar, at codon 71 of the MLYCD protein (p.Phe71Leu).